The following is an entry in ClinVar:

NM_004006.3(DMD):c.1758C>A (p.His586Gln)

Gene: DMD (dystrophin; minus strand). Cytogenetic location: Xp21.1.
Variant type: single nucleotide variant.
Coding change: c.1758C>A on transcript NM_004006.3 (MANE Select); coding-DNA position 1758, C replaced by A.
Protein change: p.His586Gln; replaces histidine 586 with glutamine.
Molecular consequence: missense variant.
Genome position (GRCh38, 1-based): chrX:32,573,584, G>T on the plus strand (C>A on the coding strand, the complement: DMD is on the minus strand). VCF-style: chrX-32573584-G-T. GRCh37 (hg19) VCF-style: chrX-32591701-G-T.
Other names: c.1734C>A, p.His578Gln (NM_000109.4); c.1746C>A, p.His582Gln (NM_004009.3); c.1389C>A, p.His463Gln (NM_004010.3); short protein forms H578Q, H582Q, H586Q, H463Q.
Identifiers: ClinVar variation 853766 (VCV000853766.10), dbSNP rs1229933072, ClinGen allele CA412673184.

ClinVar aggregate classification (germline): Uncertain significance. Review status: criteria provided, single submitter (1 of 4 stars). 2 submissions from 2 submitters: Uncertain significance (1). 1 of the submissions does not count toward it. Last evaluated 2024-07-16.

Conditions:
Duchenne muscular dystrophy (DMD). Also called: Duchenne Muscular Dystrophy (DMD); MUSCULAR DYSTROPHY, PSEUDOHYPERTROPHIC PROGRESSIVE, DUCHENNE TYPE. Identifiers: Orphanet 98896, MedGen C0013264, MONDO:0010679, OMIM 310200.
Dystrophin deficiency.
Becker muscular dystrophy (BMD). Also called: MUSCULAR DYSTROPHY, PSEUDOHYPERTROPHIC PROGRESSIVE, BECKER TYPE; Becker Muscular Dystrophy (BMD). Identifiers: Orphanet 98895, MedGen C0917713, MONDO:0010311, OMIM 300376.
Cardiomyopathy (CMYO). Also called: Cardiomyopathies. Identifiers: Orphanet 167848, MedGen C0878544, MONDO:0004994, HP:0001638. Inheritance: Various modes of inheritance.

Allele frequency attached by ClinVar (database versions not stated): gnomAD exomes below 0.00001; gnomAD 0.00001.
gnomAD v4.1: 2 of 1,210,334 alleles (0.00017%); highest among the groups gnomAD compares: African/African-American, 0.0035%; no homozygotes.

Submissions (2):

Labcorp Genetics (formerly Invitae), Labcorp
Classification: Uncertain significance for Duchenne muscular dystrophy. Last evaluated: 2024-07-16. Review status: criteria provided, single submitter. Criteria: Invitae Variant Classification Sherloc (09022015). Collection method: clinical testing. Allele origin: germline.
Comment: This sequence change replaces histidine, which is basic and polar, with glutamine, which is neutral and polar, at codon 586 of the DMD protein (p.His586Gln). This variant is not present in population databases (gnomAD no frequency). This variant has not been reported in the literature in individuals affected with DMD-related conditions. ClinVar contains an entry for this variant (Variation ID: 853766). Advanced modeling of protein sequence and biophysical properties (such as structural, functional, and spatial information, amino acid conservation, physicochemical variation, residue mobility, and thermodynamic stability) performed at Invitae indicates that this missense variant is not expected to disrupt DMD protein function with a negative predictive value of 95%. In summary, the available evidence is currently insufficient to determine the role of this variant in disease. Therefore, it has been classified as a Variant of Uncertain Significance.

Natera, Inc.
Classification: Uncertain significance for Becker muscular dystrophy; Cardiomyopathy; Duchenne muscular dystrophy; Dystrophin deficiency. Last evaluated: 2020-06-15. Review status: no assertion criteria provided. Collection method: clinical testing. Allele origin: germline. Not counted in ClinVar's aggregate classification.